The following is an entry in ClinVar:

NM_020774.4(MIB1):c.1544T>C (p.Val515Ala)

Gene: MIB1 (MIB E3 ubiquitin protein ligase 1; plus strand). Cytogenetic location: 18q11.2.
Variant type: single nucleotide variant.
Coding change: c.1544T>C on transcript NM_020774.4 (MANE Select); coding-DNA position 1544, T replaced by C.
Protein change: p.Val515Ala; replaces valine 515 with alanine.
Molecular consequence: missense variant.
Genome position (GRCh38, 1-based): chr18:21,815,680, T>C. VCF-style: chr18-21815680-T-C. GRCh37 (hg19) VCF-style: chr18-19395641-T-C.
Other names: short protein forms V515A.
Identifiers: ClinVar variation 3227405 (VCV003227405.1), dbSNP rs530585659, ClinGen allele CA8908317.
Genomic context (GRCh38, chr18:21,815,680, plus strand): 5'-AAGATGGTGATAGAGCAGTTCACCATGCAGCTTTTGGAGATGAAGGCGCTGTTATAGAAG[T>C]ACTACATCGAGGTAGTGCTGATTTGAATGCTCGAAACAAGCGCCGACAGACACCACTTCA-3'
Protein context (NP_065825.1, residues 505-525): AFGDEGAVIE[Val515Ala]LHRGSADLNA

ClinVar aggregate classification (germline): Uncertain significance (1 of 4 stars; one submission).

Conditions:
Inborn genetic diseases. Identifiers: MedGen C0950123, MeSH D030342.

Allele frequency attached by ClinVar (database versions not stated): ExAC 0.00001; gnomAD 0.00001; 1000 Genomes Project 30x 0.00016; 1000 Genomes Project 0.00020.
gnomAD v4.1: 1 of 1,614,156 alleles (0.000062%); highest among the groups gnomAD compares: African/African-American, 0.0013%; no homozygotes.

Submission:

Ambry Genetics
Classification: Uncertain significance for Inborn genetic diseases. Last evaluated: 2023-11-05. Review status: criteria provided, single submitter. Criteria: Ambry Variant Classification Scheme 2023. Collection method: clinical testing. Allele origin: germline.
Comment: The p.V515A variant (also known as c.1544T>C), located in coding exon 11 of the MIB1 gene, results from a T to C substitution at nucleotide position 1544. The valine at codon 515 is replaced by alanine, an amino acid with similar properties. This amino acid position is conserved. In addition, this alteration is predicted to be tolerated by in silico analysis. Since supporting evidence is limited at this time, the clinical significance of this alteration remains unclear.